The following is an entry in ClinVar:

NM_001384474.1(LOXHD1):c.5585G>A (p.Arg1862Gln)

Gene: LOXHD1 (lipoxygenase homology PLAT domains 1; minus strand). Cytogenetic location: 18q21.1.
Variant type: single nucleotide variant.
Coding change: c.5585G>A on transcript NM_001384474.1 (MANE Select); coding-DNA position 5585, G replaced by A.
Protein change: p.Arg1862Gln; replaces arginine 1862 with glutamine.
Molecular consequence: missense variant.
Genome position (GRCh38, 1-based): chr18:46,507,645, C>T on the plus strand (G>A on the coding strand, the complement: LOXHD1 is on the minus strand). VCF-style: chr18-46507645-C-T. GRCh37 (hg19) VCF-style: chr18-44087608-C-T.
Other names: c.2252G>A, p.Arg751Gln (NM_001145472.3); c.302G>A, p.Arg101Gln (NM_001145473.3, NM_001173129.2); c.1964G>A, p.Arg655Gln (NM_001308013.2); c.5399G>A, p.Arg1800Gln (NM_144612.7); short protein forms R101Q, R1800Q, R1862Q, R655Q, R751Q.
Identifiers: ClinVar variation 3767852 (VCV003767852.2).

ClinVar aggregate classification (germline): Uncertain significance. Review status: criteria provided, multiple submitters, no conflicts (2 of 4 stars). 2 submissions from 2 submitters: Uncertain significance (2). Last evaluated 2025-08-10.

Conditions:
Inborn genetic diseases. Identifiers: MedGen C0950123, MeSH D030342.
Autosomal dominant nonsyndromic hearing loss. Also called: Rare autosomal dominant non-syndromic sensorineural deafness type DFNA. Identifiers: Orphanet 90635, MedGen C5779548, MONDO:0019587.

gnomAD v4.1: 55 of 1,551,732 alleles (0.0035%); highest among the groups gnomAD compares: African/African-American, 0.023%; no homozygotes.

Submissions (2):

Ambry Genetics
Classification: Uncertain significance for Inborn genetic diseases. Last evaluated: 2025-08-10. Review status: criteria provided, single submitter. Criteria: Ambry Variant Classification Scheme 2023. Collection method: clinical testing. Allele origin: germline.

Center for Statistical Genetics, Columbia University
Classification: Uncertain significance for Autosomal dominant nonsyndromic hearing loss. Last evaluated: 2025-01-14. Review status: criteria provided, single submitter. Criteria: ACMG Guidelines, 2015. Collection method: research. Allele origin: germline. Inheritance: Autosomal dominant inheritance. Affected: yes. Observed: 2 heterozygotes.
Comment: c.5399G>A is a missense variant. LOXHD1 is a known gene for autosomal recessive nonsyndromic hearing loss. We identified this heterozygous variant segregating in multiple affected with autosomal dominant nonsyndromic deafness. Allele frequency is extremely low in all databases. The variant was classified based on the ACMG/AMP criteria, using the evidences PP1